The following is an entry in ClinVar:

ClinVar aggregate classification (germline): Uncertain significance. Review status: criteria provided, multiple submitters, no conflicts (2 of 4 stars). 2 submissions from 2 submitters: Uncertain significance (2). Last evaluated 2025-06-03.

Conditions:
Baller-Gerold syndrome (BGS). Also called: CRANIOSYNOSTOSIS WITH RADIAL DEFECTS. Identifiers: Orphanet 1225, MedGen C0265308, MONDO:0009039, OMIM 218600.
Inborn genetic diseases. Identifiers: MedGen C0950123, MeSH D030342.

gnomAD v4.1: 1 of 1,563,494 alleles (0.000064%); highest among the groups gnomAD compares: Non-Finnish European, 0.000087%; no homozygotes.

Submissions (2):

Ambry Genetics
Classification: Uncertain significance for Inborn genetic diseases. Last evaluated: 2025-06-03. Review status: criteria provided, single submitter. Criteria: Ambry Variant Classification Scheme 2023. Collection method: clinical testing. Allele origin: germline.
Comment: The p.T672I variant (also known as c.2015C>T), located in coding exon 12 of the RECQL4 gene, results from a C to T substitution at nucleotide position 2015. The threonine at codon 672 is replaced by isoleucine, an amino acid with similar properties. This amino acid position is conserved. In addition, this alteration is predicted to be tolerated by in silico analysis. Based on the available evidence, the clinical significance of this variant remains unclear.

Labcorp Genetics (formerly Invitae), Labcorp
Classification: Uncertain significance for Baller-Gerold syndrome. Last evaluated: 2022-09-27. Review status: criteria provided, single submitter. Criteria: Invitae Variant Classification Sherloc (09022015). Collection method: clinical testing. Allele origin: germline.
Comment: In summary, the available evidence is currently insufficient to determine the role of this variant in disease. Therefore, it has been classified as a Variant of Uncertain Significance. This sequence change replaces threonine, which is neutral and polar, with isoleucine, which is neutral and non-polar, at codon 672 of the RECQL4 protein (p.Thr672Ile). This variant is not present in population databases (gnomAD no frequency). This variant has not been reported in the literature in individuals affected with RECQL4-related conditions. ClinVar contains an entry for this variant (Variation ID: 960716).

NM_004260.4(RECQL4):c.2015C>T (p.Thr672Ile)

Gene: RECQL4 (RecQ like helicase 4; minus strand). Cytogenetic location: 8q24.3.
Variant type: single nucleotide variant.
Coding change: c.2015C>T on transcript NM_004260.4 (MANE Select); coding-DNA position 2015, C replaced by T.
Protein change: p.Thr672Ile; replaces threonine 672 with isoleucine.
Molecular consequence: missense variant.
Genome position (GRCh38, 1-based): chr8:144,513,971, G>A on the plus strand (C>T on the coding strand, the complement: RECQL4 is on the minus strand). VCF-style: chr8-144513971-G-A. GRCh37 (hg19) VCF-style: chr8-145739355-G-A.
Other names: short protein forms T672I.
Identifiers: ClinVar variation 960716 (VCV000960716.7), dbSNP rs772696526, ClinGen allele CA372680306.